The following is an entry in ClinVar:

ClinVar aggregate classification (germline): Uncertain significance (1 of 4 stars; one submission).

Submission:

GeneDx
Classification: Uncertain significance. Last evaluated: 2024-09-04. Review status: criteria provided, single submitter. Criteria: GeneDx Variant Classification Process June 2021. Collection method: clinical testing. Allele origin: germline. Affected: yes.
Comment: Not observed at significant frequency in large population cohorts (gnomAD); In silico analysis supports that this missense variant has a deleterious effect on protein structure/function; Has not been previously published as pathogenic or benign to our knowledge; This variant is associated with the following publications: (PMID: 22678886)

NM_005055.5(RAPSN):c.809A>G (p.Asp270Gly)

Gene: RAPSN (receptor associated protein of the synapse; minus strand). Cytogenetic location: 11p11.2.
Variant type: single nucleotide variant.
Coding change: c.809A>G on transcript NM_005055.5 (MANE Select); coding-DNA position 809, A replaced by G.
Protein change: p.Asp270Gly; replaces aspartic acid 270 with glycine.
Molecular consequence: missense variant. On other transcripts: intron variant (1).
Genome position (GRCh38, 1-based): chr11:47,441,714, T>C on the plus strand (A>G on the coding strand, the complement: RAPSN is on the minus strand). VCF-style: chr11-47441714-T-C. GRCh37 (hg19) VCF-style: chr11-47463266-T-C.
Other names: c.789+109A>G (NM_032645.5); short protein forms D270G.
Identifiers: ClinVar variation 3767728 (VCV003767728.1).